The following is an entry in ClinVar:

NM_000388.4(CASR):c.1443G>C (p.Glu481Asp)

Gene: CASR (calcium sensing receptor; plus strand). Cytogenetic location: 3q21.1.
Variant type: single nucleotide variant.
Coding change: c.1443G>C on transcript NM_000388.4 (MANE Select); coding-DNA position 1443, G replaced by C.
Protein change: p.Glu481Asp; replaces glutamic acid 481 with aspartic acid.
Molecular consequence: missense variant.
Genome position (GRCh38, 1-based): chr3:122,275,877, G>C. VCF-style: chr3-122275877-G-C. GRCh37 (hg19) VCF-style: chr3-121994724-G-C.
Other names: c.1443G>C, p.Glu481Asp (NM_001178065.2); short protein forms E481D.
Identifiers: ClinVar variation 2451451 (VCV002451451.2), dbSNP rs1382392248, ClinGen allele CA354155046.

ClinVar aggregate classification (germline): Uncertain significance (1 of 4 stars; one submission).

Conditions:
Nephrolithiasis/nephrocalcinosis. Identifiers: MedGen CN580796.

gnomAD v4.1: 3 of 1,614,196 alleles (0.00019%); highest among the groups gnomAD compares: South Asian, 0.0033%; no homozygotes.

Submission:

Ambry Genetics
Classification: Uncertain significance for Nephrolithiasis/nephrocalcinosis. Last evaluated: 2022-12-08. Review status: criteria provided, single submitter. Criteria: Ambry Variant Classification Scheme 2023. Collection method: clinical testing. Allele origin: germline.
Comment: The p.E481D variant (also known as c.1443G>C), located in coding exon 4 of the CASR gene, results from a G to C substitution at nucleotide position 1443. The glutamic acid at codon 481 is replaced by aspartic acid, an amino acid with highly similar properties. This amino acid position is conserved. In addition, this alteration is predicted to be tolerated by in silico analysis. Since supporting evidence is limited at this time, the clinical significance of this alteration remains unclear.